The following is an entry in ClinVar:

ClinVar aggregate classification (germline): Uncertain significance (1 of 4 stars; one submission).

Allele frequency attached by ClinVar (database versions not stated): gnomAD 0.00001; TOPMed 0.00001.
gnomAD v4.1: 16 of 1,613,102 alleles (0.00099%); highest among the groups gnomAD compares: Middle Eastern, 0.017%; no homozygotes.

Submission:

Labcorp Genetics (formerly Invitae), Labcorp
Classification: Uncertain significance. Last evaluated: 2022-06-24. Review status: criteria provided, single submitter. Criteria: Invitae Variant Classification Sherloc (09022015). Collection method: clinical testing. Allele origin: germline.
Comment: In summary, the available evidence is currently insufficient to determine the role of this variant in disease. Therefore, it has been classified as a Variant of Uncertain Significance. Algorithms developed to predict the effect of missense changes on protein structure and function (SIFT, PolyPhen-2, Align-GVGD) all suggest that this variant is likely to be disruptive. This variant has not been reported in the literature in individuals affected with MYH14-related conditions. This variant is not present in population databases (gnomAD no frequency). This sequence change replaces arginine, which is basic and polar, with tryptophan, which is neutral and slightly polar, at codon 1901 of the MYH14 protein (p.Arg1901Trp).

NM_001145809.2(MYH14):c.5824C>T (p.Arg1942Trp)

Gene: MYH14 (myosin heavy chain 14; plus strand). Cytogenetic location: 19q13.33.
Variant type: single nucleotide variant.
Coding change: c.5824C>T on transcript NM_001145809.2 (MANE Select); coding-DNA position 5824, C replaced by T.
Protein change: p.Arg1942Trp; replaces arginine 1942 with tryptophan.
Molecular consequence: missense variant.
Genome position (GRCh38, 1-based): chr19:50,309,041, C>T. VCF-style: chr19-50309041-C-T. GRCh37 (hg19) VCF-style: chr19-50812298-C-T.
Other names: c.5725C>T, p.Arg1909Trp (NM_001077186.2); c.5701C>T, p.Arg1901Trp (NM_024729.4); short protein forms R1901W, R1942W, R1909W.
Identifiers: ClinVar variation 1901393 (VCV001901393.5), dbSNP rs930926600, ClinGen allele CA309597684.